The following is an entry in ClinVar:

ClinVar aggregate classification (germline): Uncertain significance (1 of 4 stars; one submission).

Submission:

GeneDx
Classification: Uncertain significance. Last evaluated: 2026-04-21. Review status: criteria provided, single submitter. Criteria: GeneDx Variant Classification Process June 2021. Collection method: clinical testing. Allele origin: germline.
Comment: Not observed at significant frequency in large population cohorts (gnomAD); In silico analysis supports that this missense variant has a deleterious effect on protein structure/function; Has not been previously published as pathogenic or benign to our knowledge

NM_003601.4(SMARCA5):c.742T>C (p.Phe248Leu)

Gene: SMARCA5 (SNF2 related chromatin remodeling ATPase 5; plus strand). Cytogenetic location: 4q31.21.
Variant type: single nucleotide variant.
Coding change: c.742T>C on transcript NM_003601.4 (MANE Select); coding-DNA position 742, T replaced by C.
Protein change: p.Phe248Leu; replaces phenylalanine 248 with leucine.
Molecular consequence: missense variant.
Genome position (GRCh38, 1-based): chr4:143,526,401, T>C. VCF-style: chr4-143526401-T-C. GRCh37 (hg19) VCF-style: chr4-144447554-T-C.
Other names: short protein forms F248L.
Identifiers: ClinVar variation 5037545 (VCV005037545.1).